The following is an entry in ClinVar:

ClinVar aggregate classification (germline): Benign/Likely benign. Review status: criteria provided, multiple submitters, no conflicts (2 of 4 stars). 5 submissions from 5 submitters: Benign (3); Likely benign (1). 1 of the submissions does not count toward it. Last evaluated 2025-03-01.

Conditions:
BRPF1-related disorder. Also called: BRPF1-related condition.
Inborn genetic diseases. Identifiers: MedGen C0950123, MeSH D030342.

Allele frequency attached by ClinVar (database versions not stated): gnomAD 0.00044 and 0.00048; TOPMed 0.00051; gnomAD exomes 0.00052 and 0.00078; ExAC 0.00058; ESP Exome Variant Server 0.00092.
gnomAD v4.1: 858 of 1,611,276 alleles (0.053%); highest among the groups gnomAD compares: Non-Finnish European, 0.031%; 7 homozygotes.

Submissions (5):

CeGaT Center for Human Genetics Tuebingen
Classification: Benign. Last evaluated: 2025-03-01. Review status: criteria provided, single submitter. Criteria: CeGaT Center For Human Genetics Tuebingen Variant Classification Criteria Version 2. Collection method: clinical testing. Allele origin: germline. Affected: yes. Observed: 1 variant allele.
Comment: BRPF1: BP4, BS1, BS2

Ambry Genetics
Classification: Likely benign for Inborn genetic diseases. Last evaluated: 2021-03-31. Review status: criteria provided, single submitter. Criteria: Ambry Variant Classification Scheme 2023. Collection method: clinical testing. Allele origin: germline.

Labcorp Genetics (formerly Invitae), Labcorp
Classification: Benign. Last evaluated: 2019-12-31. Review status: criteria provided, single submitter. Criteria: Invitae Variant Classification Sherloc (09022015). Collection method: clinical testing. Allele origin: germline.

Breakthrough Genomics
Classification: Benign. Review status: criteria provided, single submitter. Criteria: ACMG Guidelines, 2015. Collection method: not provided. Allele origin: germline. Inheritance: Autosomal dominant inheritance. Affected: yes.

PreventionGenetics, part of Exact Sciences
Classification: Benign for BRPF1-related condition. Last evaluated: 2019-03-07. Review status: no assertion criteria provided. Collection method: clinical testing. Allele origin: germline. Not counted in ClinVar's aggregate classification.
Comment: This variant is classified as benign based on ACMG/AMP sequence variant interpretation guidelines (Richards et al. 2015 PMID: 25741868, with internal and published modifications).

NM_001003694.2(BRPF1):c.2543G>A (p.Arg848Gln)

Gene: BRPF1 (bromodomain and PHD finger containing 1; plus strand). Cytogenetic location: 3p25.3.
Variant type: single nucleotide variant.
Coding change: c.2543G>A on transcript NM_001003694.2 (MANE Select); coding-DNA position 2543, G replaced by A.
Protein change: p.Arg848Gln; replaces arginine 848 with glutamine.
Molecular consequence: missense variant. On other transcripts: non-coding transcript variant (1).
Genome position (GRCh38, 1-based): chr3:9,743,809, G>A. VCF-style: chr3-9743809-G-A. GRCh37 (hg19) VCF-style: chr3-9785493-G-A.
Other names: c.2525G>A, p.Arg842Gln (NM_001319049.2, NM_004634.3); c.2522G>A, p.Arg841Gln (NM_001319050.2); short protein forms R848Q, R841Q, R842Q.
Identifiers: ClinVar variation 728067 (VCV000728067.16), dbSNP rs35926012, ClinGen allele CA2242149.